The following is an entry in ClinVar:

NM_001128178.3(NPHP1):c.1897A>G (p.Thr633Ala)

Gene: NPHP1 (nephrocystin 1; minus strand). Cytogenetic location: 2q13.
Variant type: single nucleotide variant.
Coding change: c.1897A>G on transcript NM_001128178.3 (MANE Select); coding-DNA position 1897, A replaced by G.
Protein change: p.Thr633Ala; replaces threonine 633 with alanine.
Molecular consequence: missense variant. On other transcripts: 3 prime UTR variant (1).
Genome position (GRCh38, 1-based): chr2:110,123,928, T>C on the plus strand (A>G on the coding strand, the complement: NPHP1 is on the minus strand). VCF-style: chr2-110123928-T-C. GRCh37 (hg19) VCF-style: chr2-110881505-T-C.
Other names: c.2065A>G, p.Thr689Ala (NM_000272.5); c.1708A>G, p.Thr570Ala (NM_001128179.3); c.1894A>G, p.Thr632Ala (NM_001374256.1); c.*139A>G (NM_001374257.1); c.2062A>G, p.Thr688Ala (NM_207181.4); short protein forms T633A, T632A, T570A, T688A, T689A.
Identifiers: ClinVar variation 1435039 (VCV001435039.7), dbSNP rs764769662, ClinGen allele CA1826849.

ClinVar aggregate classification (germline): Uncertain significance (1 of 4 stars; one submission).

Conditions:
Nephronophthisis. Also called: Juvenile Nephronophthisis. Identifiers: Orphanet 655, MedGen C0687120, MONDO:0019005, HP:0000090.

Allele frequency attached by ClinVar (database versions not stated): gnomAD exomes below 0.00001 and 0.00001; ExAC 0.00001; TOPMed 0.00001; gnomAD 0.00002.
gnomAD v4.1: 7 of 1,614,026 alleles (0.00043%); highest among the groups gnomAD compares: African/African-American, 0.0027%; no homozygotes.

Submission:

Labcorp Genetics (formerly Invitae), Labcorp
Classification: Uncertain significance for Nephronophthisis. Last evaluated: 2025-03-22. Review status: criteria provided, single submitter. Criteria: Invitae Variant Classification Sherloc (09022015). Collection method: clinical testing. Allele origin: germline.
Comment: This sequence change replaces threonine, which is neutral and polar, with alanine, which is neutral and non-polar, at codon 689 of the NPHP1 protein (p.Thr689Ala). This variant is present in population databases (rs764769662, gnomAD 0.007%). This variant has not been reported in the literature in individuals affected with NPHP1-related conditions. ClinVar contains an entry for this variant (Variation ID: 1435039). Invitae Evidence Modeling of protein sequence and biophysical properties (such as structural, functional, and spatial information, amino acid conservation, physicochemical variation, residue mobility, and thermodynamic stability) indicates that this missense variant is not expected to disrupt NPHP1 protein function with a negative predictive value of 80%. In summary, the available evidence is currently insufficient to determine the role of this variant in disease. Therefore, it has been classified as a Variant of Uncertain Significance.